The following is an entry in ClinVar:

NM_001127222.2(CACNA1A):c.6284G>A (p.Arg2095His)

Gene: CACNA1A (calcium voltage-gated channel subunit alpha1 A; minus strand). Cytogenetic location: 19p13.13.
Variant type: single nucleotide variant.
Coding change: c.6284G>A on transcript NM_001127222.2 (MANE Select); coding-DNA position 6284, G replaced by A.
Protein change: p.Arg2095His; replaces arginine 2095 with histidine.
Molecular consequence: missense variant.
Genome position (GRCh38, 1-based): chr19:13,212,122, C>T on the plus strand (G>A on the coding strand, the complement: CACNA1A is on the minus strand). VCF-style: chr19-13212122-C-T. GRCh37 (hg19) VCF-style: chr19-13322936-C-T.
Other names: c.6302G>A, p.Arg2101His (NM_000068.4, NM_023035.3); c.6287G>A, p.Arg2096His (NM_001127221.2); c.6293G>A, p.Arg2098His (NM_001174080.2); short protein forms R2098H, R2095H, R2101H, R2096H.
Identifiers: ClinVar variation 2935282 (VCV002935282.3), dbSNP rs770058965, ClinGen allele CA9239411.

ClinVar aggregate classification (germline): Uncertain significance (1 of 4 stars; one submission).

Conditions:
Episodic ataxia type 2 (EA2). Also called: CEREBELLAR ATAXIA, PAROXYSMAL, ACETAZOLAMIDE-RESPONSIVE; CEREBELLOPATHY, HEREDITARY PAROXYSMAL; EPISODIC ATAXIA, NYSTAGMUS-ASSOCIATED; ACETAZOLAMIDE-RESPONSIVE HEREDITARY PAROXYSMAL CEREBELLAR ATAXIA; ATAXIA, EPISODIC, WITH NYSTAGMUS; ATAXIA, FAMILIAL PAROXYSMAL. Identifiers: Orphanet 97, MedGen C1720416, MONDO:0007163, OMIM 108500.
Developmental and epileptic encephalopathy, 42 (DEE42A). Also called: Epileptic encephalopathy, early infantile, 42; DEVELOPMENTAL AND EPILEPTIC ENCEPHALOPATHY 42A; EPILEPTIC ENCEPHALOPATHY, EARLY INFANTILE, 42A. Identifiers: MedGen C4310716, MONDO:0014917, OMIM 617106.

Allele frequency attached by ClinVar (database versions not stated): ExAC 0.00001.
gnomAD v4.1: 4 of 1,612,466 alleles (0.00025%); highest among the groups gnomAD compares: South Asian, 0.0011%; no homozygotes.

Submission:

Labcorp Genetics (formerly Invitae), Labcorp
Classification: Uncertain significance for Developmental and epileptic encephalopathy, 42; Episodic ataxia type 2. Last evaluated: 2024-08-05. Review status: criteria provided, single submitter. Criteria: Invitae Variant Classification Sherloc (09022015). Collection method: clinical testing. Allele origin: germline.
Comment: This sequence change replaces arginine, which is basic and polar, with histidine, which is basic and polar, at codon 2096 of the CACNA1A protein (p.Arg2096His). The frequency data for this variant in the population databases is considered unreliable, as metrics indicate poor data quality at this position in the gnomAD database. This variant has not been reported in the literature in individuals affected with CACNA1A-related conditions. Advanced modeling of protein sequence and biophysical properties (such as structural, functional, and spatial information, amino acid conservation, physicochemical variation, residue mobility, and thermodynamic stability) has been performed at Invitae for this missense variant, however the output from this modeling did not meet the statistical confidence thresholds required to predict the impact of this variant on CACNA1A protein function. In summary, the available evidence is currently insufficient to determine the role of this variant in disease. Therefore, it has been classified as a Variant of Uncertain Significance.